The following is an entry in ClinVar:

ClinVar aggregate classification (germline): Likely benign (0 of 4 stars; one submission).

Conditions:
CGNL1-related disorder. Also called: CGNL1-related condition.

Allele frequency attached by ClinVar (database versions not stated): gnomAD exomes 0.00012; ExAC 0.00095; gnomAD 0.00168; TOPMed 0.00186; ESP Exome Variant Server 0.00193; 1000 Genomes Project 0.00240; 1000 Genomes Project 30x 0.00265.
gnomAD v4.1: 439 of 1,567,114 alleles (0.028%); highest among the groups gnomAD compares: African/African-American, 0.52%; 1 homozygote.

Submission:

PreventionGenetics, part of Exact Sciences
Classification: Likely benign for CGNL1-related condition. Last evaluated: 2019-06-11. Review status: no assertion criteria provided. Collection method: clinical testing. Allele origin: germline.
Comment: This variant is classified as likely benign based on ACMG/AMP sequence variant interpretation guidelines (Richards et al. 2015 PMID: 25741868, with internal and published modifications).

NM_032866.5(CGNL1):c.3773+8G>T

Gene: CGNL1 (cingulin like 1; plus strand). Cytogenetic location: 15q21.3.
Variant type: single nucleotide variant.
Coding change: c.3773+8G>T on transcript NM_032866.5 (MANE Select); 8 bases into the intron after coding-DNA position 3773, G replaced by T.
Molecular consequence: intron variant.
Genome position (GRCh38, 1-based): chr15:57,546,247, G>T. VCF-style: chr15-57546247-G-T. GRCh37 (hg19) VCF-style: chr15-57838445-G-T.
Other names: c.3773+8G>T (NM_001252335.2).
Identifiers: ClinVar variation 3056627 (VCV003056627.2), dbSNP rs144757918, ClinGen allele CA7582687.
Genomic context (GRCh38, chr15:57,546,247, plus strand): 5'-GACATGAATGAGCATCTGCAGGGGCAGCTCAACTCCATGAAGAAGGACTTAAGGTGGGCA[G>T]GTGTGGAGGCCACAGAGGGCCGGGTAATCTCCCCACAGTTGAGACAGGCTCTGCTTTCAG-3'